The following is an entry in ClinVar:

NM_005219.5(DIAPH1):c.370A>G (p.Met124Val)

Gene: DIAPH1 (diaphanous related formin 1; minus strand). Cytogenetic location: 5q31.3.
Variant type: single nucleotide variant.
Coding change: c.370A>G on transcript NM_005219.5 (MANE Select); coding-DNA position 370, A replaced by G.
Protein change: p.Met124Val; replaces methionine 124 with valine.
Molecular consequence: missense variant.
Genome position (GRCh38, 1-based): chr5:141,584,156, T>C on the plus strand (A>G on the coding strand, the complement: DIAPH1 is on the minus strand). VCF-style: chr5-141584156-T-C. GRCh37 (hg19) VCF-style: chr5-140963723-T-C.
Other names: c.343A>G, p.Met115Val (NM_001079812.3); c.370A>G, p.Met124Val (NM_001314007.2); short protein forms M115V, M124V.
Identifiers: ClinVar variation 3755627 (VCV003755627.2).

ClinVar aggregate classification (germline): Uncertain significance (1 of 4 stars; one submission).

Conditions:
Autosomal dominant nonsyndromic hearing loss 1. Also called: KONIGSMARK SYNDROME; DEAFNESS, AUTOSOMAL DOMINANT 1, WITH OR WITHOUT THROMBOCYTOPENIA. Identifiers: Orphanet 90635, MedGen C1852282, MONDO:0007424, OMIM 124900.
Progressive microcephaly-seizures-cortical blindness-developmental delay syndrome. Also called: Seizures, cortical blindness, and microcephaly syndrome. Identifiers: Orphanet 477814, MedGen C5567650, MONDO:0014714, OMIM 616632.

Submission:

Labcorp Genetics (formerly Invitae), Labcorp
Classification: Uncertain significance for Progressive microcephaly-seizures-cortical blindness-developmental delay syndrome; Autosomal dominant nonsyndromic hearing loss 1. Last evaluated: 2024-04-01. Review status: criteria provided, single submitter. Criteria: Invitae Variant Classification Sherloc (09022015). Collection method: clinical testing. Allele origin: germline.
Comment: This sequence change replaces methionine, which is neutral and non-polar, with valine, which is neutral and non-polar, at codon 124 of the DIAPH1 protein (p.Met124Val). This variant is present in population databases (rs776081634, gnomAD 0.0009%). This variant has not been reported in the literature in individuals affected with DIAPH1-related conditions. Experimental studies and prediction algorithms are not available or were not evaluated, and the functional significance of this variant is currently unknown. In summary, the available evidence is currently insufficient to determine the role of this variant in disease. Therefore, it has been classified as a Variant of Uncertain Significance.